The following is an entry in ClinVar:

NM_001348716.2(KDM6B):c.1586C>T (p.Pro529Leu)

Gene: KDM6B (lysine demethylase 6B; plus strand). Cytogenetic location: 17p13.1.
Variant type: single nucleotide variant.
Coding change: c.1586C>T on transcript NM_001348716.2 (MANE Select); coding-DNA position 1586, C replaced by T.
Protein change: p.Pro529Leu; replaces proline 529 with leucine.
Molecular consequence: missense variant.
Genome position (GRCh38, 1-based): chr17:7,847,874, C>T. VCF-style: chr17-7847874-C-T. GRCh37 (hg19) VCF-style: chr17-7751192-C-T.
Other names: c.1586C>T, p.Pro529Leu (NM_001080424.2); short protein forms P529L.
Identifiers: ClinVar variation 3287973 (VCV003287973.2).

ClinVar aggregate classification (germline): Uncertain significance. Review status: criteria provided, multiple submitters, no conflicts (2 of 4 stars). 2 submissions from 2 submitters: Uncertain significance (2). Last evaluated 2024-04-15.

Conditions:
Neurodevelopmental disorder with coarse facies and mild distal skeletal abnormalities. Also called: STOLERMAN NEURODEVELOPMENTAL SYNDROME. Identifiers: MedGen C5193134, MONDO:0032790, OMIM 618505.
Inborn genetic diseases. Identifiers: MedGen C0950123, MeSH D030342.

gnomAD v4.1: 65 of 1,604,238 alleles (0.0041%); highest among the groups gnomAD compares: East Asian, 0.0067%; no homozygotes.

Submissions (2):

Ambry Genetics
Classification: Uncertain significance for Inborn genetic diseases. Last evaluated: 2024-04-15. Review status: criteria provided, single submitter. Criteria: Ambry Variant Classification Scheme 2023. Collection method: clinical testing. Allele origin: germline.

Pittsburgh Clinical Genomics Laboratory, University of Pittsburgh Medical Center
Classification: Uncertain significance for Neurodevelopmental disorder with coarse facies and mild distal skeletal abnormalities. Last evaluated: 2023-12-09. Review status: criteria provided, single submitter. Criteria: ACMG Guidelines, 2015. Collection method: clinical testing. Allele origin: germline. Inheritance: Autosomal dominant inheritance. Affected: yes.
Comment: This sequence variant is a single nucleotide substitution (C>T) at position 1586 of the coding sequence of the KDM6B gene that results in a proline to leucine amino acid change at residue 529 of the lysine demethylase 6B protein. This variant is absent from ClinVar and has not been observed in an individual with a KDM6B-related disorder in the published literature, to our knowledge. This variant is present in 10 of 379770 alleles (0.0026%) in the gnomAD population dataset. Multiple bioinformatic tools predict that this Pro to Leu amino acid change would be neutral, and the Pro529 residue at this position is poorly conserved across the vertebrate species examined. Studies examining the functional consequence of this variant have not been published, to our knowledge. At this time, there is insufficient evidence to determine if this variant is pathogenic or benign. Therefore, we consider this a variant of uncertain significance. ACMG Criteria: BP4, PM2